The following is an entry in ClinVar:

NM_004614.5(TK2):c.547C>G (p.Arg183Gly)

Gene: TK2 (thymidine kinase 2; minus strand). Cytogenetic location: 16q21.
Variant type: single nucleotide variant.
Coding change: c.547C>G on transcript NM_004614.5 (MANE Select); coding-DNA position 547, C replaced by G.
Protein change: p.Arg183Gly; replaces arginine 183 with glycine.
Molecular consequence: missense variant. On other transcripts: non-coding transcript variant (1), intron variant (1).
Genome position (GRCh38, 1-based): chr16:66,517,207, G>C on the plus strand (C>G on the coding strand, the complement: TK2 is on the minus strand). VCF-style: chr16-66517207-G-C. GRCh37 (hg19) VCF-style: chr16-66551110-G-C.
Other names: c.454C>G, p.Arg152Gly (NM_001172643.1); c.472C>G, p.Arg158Gly (NM_001172644.2); c.493C>G, p.Arg165Gly (NM_001172645.2); c.400C>G, p.Arg134Gly (NM_001271934.2); c.256C>G, p.Arg86Gly (NM_001272050.2); c.357-3396C>G (NM_001271935.1); short protein forms R183G, R165G, R152G, R158G, R134G, R86G.
Identifiers: ClinVar variation 38991 (VCV000038991.17), dbSNP rs137886900, ClinGen allele CA343311.
Genomic context (GRCh38, chr16:66,517,207, plus strand): 5'-CCTTCTCCTCTTCCCTGCATCTCTTCTTTAACCTCTGGTAACAAGTCTCAGGATTGGTCC[G>C]AAGGTAAACTGAGGTTAAAAGAATACGTGGCTCTCAGGACTCTGCTCATGGCTTGGAAGC-3'
Protein context (NP_004605.4, residues 173-193): DVSVDLIVYL[Arg183Gly]TNPETCYQRL

ClinVar aggregate classification (germline): Pathogenic/Likely pathogenic. Review status: criteria provided, multiple submitters, no conflicts (2 of 4 stars). 2 submissions from 2 submitters: Pathogenic (1); Likely pathogenic (1). Last evaluated 2025-11-24.

Conditions:
Mitochondrial disease. Also called: Mitochondrial disorder; Mitochondrial disorders. Identifiers: Orphanet 68380, MedGen C0751651, MeSH D028361, MONDO:0044970.

gnomAD v4.1: 8 of 1,614,038 alleles (0.0005%); highest among the groups gnomAD compares: Non-Finnish European, 0.00059%; no homozygotes.

Submissions (2):

Genomenon, Inc
Classification: Likely pathogenic for Mitochondrial disease. Last evaluated: 2025-11-24. Review status: criteria provided, single submitter. Criteria: Genomenon Sequence Variant Interpretation Standards - Updated. Collection method: curation. Allele origin: germline. Affected: yes.
Comment: TK2 p.Arg183Gly (c.547C>G) is a missense variant that changes the amino acid at residue 183 from Arginine to Glycine. It is also described as R152G and R225G in the literature. This variant has been observed in multiple probands affected with mitochondrial disease, with a pathogenic or likely pathogenic variant confirmed in trans in at least one proband (12682338, 19125351, 12655576). This variant is not present at a significant frequency in gnomAD, and in silico models agree that this variant is possibly or probably damaging. In conclusion, we classify TK2 p.Arg183Gly (c.547C>G) as a likely pathogenic variant.

Labcorp Genetics (formerly Invitae), Labcorp
Classification: Pathogenic. Last evaluated: 2025-01-29. Review status: criteria provided, single submitter. Criteria: Invitae Variant Classification Sherloc (09022015). Collection method: clinical testing. Allele origin: germline.
Comment: This sequence change replaces arginine, which is basic and polar, with glycine, which is neutral and non-polar, at codon 183 of the TK2 protein (p.Arg183Gly). This variant is present in population databases (rs137886900, gnomAD 0.002%). This missense change has been observed in individuals with TK2-related conditions (PMID: 12655576, 12682338, 29602790). This variant is also known as R152G. ClinVar contains an entry for this variant (Variation ID: 38991). Invitae Evidence Modeling of protein sequence and biophysical properties (such as structural, functional, and spatial information, amino acid conservation, physicochemical variation, residue mobility, and thermodynamic stability) indicates that this missense variant is expected to disrupt TK2 protein function with a positive predictive value of 95%. Algorithms developed to predict the effect of sequence changes on RNA splicing suggest that this variant may disrupt the consensus splice site. This variant disrupts the p.Arg183 amino acid residue in TK2. Other variant(s) that disrupt this residue have been determined to be pathogenic (PMID: 15907288, 18819985, 29602790). This suggests that this residue is clinically significant, and that variants that disrupt this residue are likely to be disease-causing. For these reasons, this variant has been classified as Pathogenic.

Literature cited by the submitters: PubMed 12682338 (cited by Genomenon, Inc and Labcorp Genetics (formerly Invitae), Labcorp); PubMed 19125351 (cited by Genomenon, Inc); PubMed 12655576 (cited by Genomenon, Inc and Labcorp Genetics (formerly Invitae), Labcorp); PubMed 29602790 (cited by Labcorp Genetics (formerly Invitae), Labcorp); PubMed 15907288 (cited by Labcorp Genetics (formerly Invitae), Labcorp); PubMed 18819985 (cited by Labcorp Genetics (formerly Invitae), Labcorp).